The following is an entry in ClinVar:

NM_015338.6(ASXL1):c.3761A>G (p.Asn1254Ser)

Gene: ASXL1 (ASXL transcriptional regulator 1; plus strand). Cytogenetic location: 20q11.21.
Variant type: single nucleotide variant.
Coding change: c.3761A>G on transcript NM_015338.6 (MANE Select); coding-DNA position 3761, A replaced by G.
Protein change: p.Asn1254Ser; replaces asparagine 1254 with serine.
Molecular consequence: missense variant.
Genome position (GRCh38, 1-based): chr20:32,436,473, A>G. VCF-style: chr20-32436473-A-G. GRCh37 (hg19) VCF-style: chr20-31024276-A-G.
Other names: c.3578A>G, p.Asn1193Ser (NM_001363734.1); short protein forms N1254S, N1193S.
Identifiers: ClinVar variation 133581 (VCV000133581.3), dbSNP rs587778059, ClinGen allele CA156996.

ClinVar aggregate classification (germline): Uncertain significance. Review status: criteria provided, single submitter (1 of 4 stars). 2 submissions from 2 submitters: Uncertain significance (1). 1 of the submissions does not count toward it. Last evaluated 2024-08-29.

Allele frequency attached by ClinVar (database versions not stated): gnomAD exomes 0.00001 and 0.00003; ExAC 0.00003; gnomAD 0.00014 and 0.00016; TOPMed 0.00018.
gnomAD v4.1: 39 of 1,614,086 alleles (0.0024%); highest among the groups gnomAD compares: African/African-American, 0.043%; no homozygotes.

Submissions (2):

Labcorp Genetics (formerly Invitae), Labcorp
Classification: Uncertain significance. Last evaluated: 2024-08-29. Review status: criteria provided, single submitter. Criteria: Invitae Variant Classification Sherloc (09022015). Collection method: clinical testing. Allele origin: germline.
Comment: This sequence change replaces asparagine, which is neutral and polar, with serine, which is neutral and polar, at codon 1254 of the ASXL1 protein (p.Asn1254Ser). This variant is present in population databases (rs587778059, gnomAD 0.05%). This variant has not been reported in the literature in individuals affected with ASXL1-related conditions. ClinVar contains an entry for this variant (Variation ID: 133581). An algorithm developed to predict the effect of missense changes on protein structure and function outputs the following: PolyPhen-2: "Benign". The serine amino acid residue is found in multiple mammalian species, which suggests that this missense change does not adversely affect protein function. In summary, the available evidence is currently insufficient to determine the role of this variant in disease. Therefore, it has been classified as a Variant of Uncertain Significance.

ITMI
No classification provided. Condition: AllHighlyPenetrant. Last evaluated: 2013-09-19. Review status: no classification provided. Collection method: reference population. Allele origin: germline. Not counted in ClinVar's aggregate classification.
Comment: Please see associated publication for description of ethnicities

Literature cited by the submitters: PubMed 24728327 (cited by ITMI).